The following is an entry in ClinVar:

ClinVar aggregate classification (germline): Uncertain significance (1 of 4 stars; one submission).

Conditions:
Generalized epilepsy with febrile seizures plus, type 7 (GEFSP7). Also called: GEFS+, TYPE 7. Identifiers: Orphanet 36387, MedGen C2751778, MONDO:0013470, OMIM 613863.
Neuropathy, hereditary sensory and autonomic, type 2A (HSAN2A). Also called: WNK1-Related HSAN2 (HSAN2A); ACROOSTEOLYSIS, GIACCAI TYPE; ACROOSTEOLYSIS, NEUROGENIC; NEUROPATHY, HEREDITARY SENSORY, TYPE IIA; NEUROPATHY, PROGRESSIVE SENSORY, OF CHILDREN; HSAN IIA. Identifiers: Orphanet 970, MedGen C2752089, MONDO:0024309, OMIM 201300.

Submission:

Labcorp Genetics (formerly Invitae), Labcorp
Classification: Uncertain significance for Neuropathy, hereditary sensory and autonomic, type 2A; Generalized epilepsy with febrile seizures plus, type 7. Last evaluated: 2019-05-03. Review status: criteria provided, single submitter. Criteria: Invitae Variant Classification Sherloc (09022015). Collection method: clinical testing. Allele origin: germline.
Comment: In summary, the available evidence is currently insufficient to determine the role of this variant in disease. Therefore, it has been classified as a Variant of Uncertain Significance. Algorithms developed to predict the effect of missense changes on protein structure and function (SIFT, PolyPhen-2, Align-GVGD) all suggest that this variant is likely to be tolerated, but these predictions have not been confirmed by published functional studies and their clinical significance is uncertain. This variant has not been reported in the literature in individuals with SCN9A-related conditions. This variant is not present in population databases (ExAC no frequency). This sequence change replaces valine with glycine at codon 614 of the SCN9A protein (p.Val614Gly). The valine residue is highly conserved and there is a moderate physicochemical difference between valine and glycine.

NM_001365536.1(SCN9A):c.1841T>G (p.Val614Gly)

Genes: SCN9A (sodium voltage-gated channel alpha subunit 9; minus strand), SCN1A-AS1 (SCN1A and SCN9A antisense RNA 1; plus strand). Cytogenetic location: 2q24.3.
Variant type: single nucleotide variant.
Coding change: c.1841T>G on transcript NM_001365536.1 (MANE Select); coding-DNA position 1841, T replaced by G.
Protein change: p.Val614Gly; replaces valine 614 with glycine.
Molecular consequence: missense variant.
Genome position (GRCh38, 1-based): chr2:166,284,586, A>C on the plus strand (T>G on the coding strand, the complement: SCN9A is on the minus strand). VCF-style: chr2-166284586-A-C. GRCh37 (hg19) VCF-style: chr2-167141096-A-C.
Other names: c.1841T>G, p.Val614Gly (NM_002977.4); short protein forms V614G.
Identifiers: ClinVar variation 664723 (VCV000664723.11), dbSNP rs1574864151, ClinGen allele CA349083008.